The following is an entry in ClinVar:

ClinVar aggregate classification (germline): Uncertain significance. Review status: criteria provided, multiple submitters, no conflicts (2 of 4 stars). 2 submissions from 2 submitters: Uncertain significance (2). Last evaluated 2022-09-14.

Conditions:
Inborn genetic diseases. Identifiers: MedGen C0950123, MeSH D030342.
Developmental and epileptic encephalopathy, 30 (DEE30). Also called: Epileptic encephalopathy, early infantile, 30. Identifiers: MedGen C4225360, MONDO:0014595, OMIM 616341.

Submissions (2):

Labcorp Genetics (formerly Invitae), Labcorp
Classification: Uncertain significance for Developmental and epileptic encephalopathy, 30. Last evaluated: 2022-09-14. Review status: criteria provided, single submitter. Criteria: Invitae Variant Classification Sherloc (09022015). Collection method: clinical testing. Allele origin: germline.
Comment: This sequence change replaces serine, which is neutral and polar, with arginine, which is basic and polar, at codon 634 of the SIK1 protein (p.Ser634Arg). In summary, the available evidence is currently insufficient to determine the role of this variant in disease. Therefore, it has been classified as a Variant of Uncertain Significance. Advanced modeling of protein sequence and biophysical properties (such as structural, functional, and spatial information, amino acid conservation, physicochemical variation, residue mobility, and thermodynamic stability) performed at Invitae indicates that this missense variant is not expected to disrupt SIK1 protein function. This variant has not been reported in the literature in individuals affected with SIK1-related conditions. This variant is not present in population databases (gnomAD no frequency).

Ambry Genetics
Classification: Uncertain significance for Inborn genetic diseases. Last evaluated: 2021-04-08. Review status: criteria provided, single submitter. Criteria: Ambry Variant Classification Scheme 2023. Collection method: clinical testing. Allele origin: germline.
Comment: The c.1902C>G (p.S634R) alteration is located in exon 13 (coding exon 12) of the SIK1 gene. This alteration results from a C to G substitution at nucleotide position 1902, causing the serine (S) at amino acid position 634 to be replaced by an arginine (R). The p.S634R alteration is predicted to be tolerated by in silico analysis. Based on insufficient or conflicting evidence, the clinical significance of this alteration remains unclear.

NM_173354.5(SIK1):c.1902C>G (p.Ser634Arg)

Gene: SIK1 (salt inducible kinase 1; minus strand). Cytogenetic location: 21q22.3.
Variant type: single nucleotide variant.
Coding change: c.1902C>G on transcript NM_173354.5 (MANE Select); coding-DNA position 1902, C replaced by G.
Protein change: p.Ser634Arg; replaces serine 634 with arginine.
Molecular consequence: missense variant.
Genome position (GRCh38, 1-based): chr21:43,417,617, G>C on the plus strand (C>G on the coding strand, the complement: SIK1 is on the minus strand). VCF-style: chr21-43417617-G-C. GRCh37 (hg19) VCF-style: chr21-44837497-G-C.
Other names: c.1902C>G (NM_173354.3); short protein forms S634R.
Identifiers: ClinVar variation 1719376 (VCV001719376.7), dbSNP rs755139643, ClinGen allele CA410607066.